The following is an entry in ClinVar:

ClinVar aggregate classification (germline): Uncertain significance. Review status: criteria provided, multiple submitters, no conflicts (2 of 4 stars). 2 submissions from 2 submitters: Uncertain significance (2). Last evaluated 2025-05-14.

Conditions:
Long QT syndrome (LQTS). Identifiers: MedGen C0023976, MeSH D008133, MONDO:0002442. Disease mechanism: loss of function. Inheritance: Various modes of inheritance.
Cardiovascular phenotype. Identifiers: MedGen CN230736.

Allele frequency attached by ClinVar (database versions not stated): gnomAD 0.00001; TOPMed 0.00001; 1000 Genomes Project 30x 0.00016; 1000 Genomes Project 0.00020.
gnomAD v4.1: 2 of 1,613,764 alleles (0.00012%); highest among the groups gnomAD compares: African/African-American, 0.0027%; no homozygotes.

Submissions (2):

Ambry Genetics
Classification: Uncertain significance for Cardiovascular phenotype. Last evaluated: 2025-05-14. Review status: criteria provided, single submitter. Criteria: Ambry Variant Classification Scheme 2023. Collection method: clinical testing. Allele origin: germline.
Comment: The p.V855I variant (also known as c.2563G>A), located in coding exon 19 of the CACNA1C gene, results from a G to A substitution at nucleotide position 2563. The valine at codon 855 is replaced by isoleucine, an amino acid with highly similar properties. This amino acid position is well conserved in available vertebrate species. In addition, the in silico prediction for this alteration is inconclusive. Based on the available evidence, the clinical significance of this variant remains unclear.

Labcorp Genetics (formerly Invitae), Labcorp
Classification: Uncertain significance for Long QT syndrome. Last evaluated: 2021-10-09. Review status: criteria provided, single submitter. Criteria: Invitae Variant Classification Sherloc (09022015). Collection method: clinical testing. Allele origin: germline.
Comment: This sequence change replaces valine with isoleucine at codon 855 of the CACNA1C protein (p.Val855Ile). The valine residue is moderately conserved and there is a small physicochemical difference between valine and isoleucine. In summary, the available evidence is currently insufficient to determine the role of this variant in disease. Therefore, it has been classified as a Variant of Uncertain Significance. Algorithms developed to predict the effect of missense changes on protein structure and function are either unavailable or do not agree on the potential impact of this missense change (SIFT: "Tolerated"; PolyPhen-2: "Probably Damaging"; Align-GVGD: "Class C0"). This variant has not been reported in the literature in individuals affected with CACNA1C-related conditions. This variant is not present in population databases (ExAC no frequency).

NM_000719.7(CACNA1C):c.2563G>A (p.Val855Ile)

Gene: CACNA1C (calcium voltage-gated channel subunit alpha1 C; plus strand). Cytogenetic location: 12p13.33.
Variant type: single nucleotide variant.
Coding change: c.2563G>A on transcript NM_000719.7 (MANE Select); coding-DNA position 2563, G replaced by A.
Protein change: p.Val855Ile; replaces valine 855 with isoleucine.
Molecular consequence: missense variant.
Genome position (GRCh38, 1-based): chr12:2,593,245, G>A. VCF-style: chr12-2593245-G-A. GRCh37 (hg19) VCF-style: chr12-2702411-G-A.
Other names: c.2563G>A (NM_000719.6); c.2563G>A, p.Val855Ile (NM_001129827.2, NM_001129829.2, NM_001129830.3 and 18 more transcripts); c.2554G>A, p.Val852Ile (NM_001129844.2); short protein forms V855I, V852I.
Identifiers: ClinVar variation 1464442 (VCV001464442.7), dbSNP rs543555345, ClinGen allele CA231594283.